The following is an entry in ClinVar:

NM_001364564.1(SALL2):c.*657C>T

Gene: SALL2 (spalt like transcription factor 2; minus strand). Cytogenetic location: 14q11.2.
Variant type: single nucleotide variant.
Coding change: c.*657C>T on transcript NM_001364564.1 (MANE Select); 657 bases downstream of the stop codon, C replaced by T.
Molecular consequence: 3 prime UTR variant. On other transcripts: synonymous variant (2), non-coding transcript variant (2).
Genome position (GRCh38, 1-based): chr14:21,522,047, G>A on the plus strand (C>T on the coding strand, the complement: SALL2 is on the minus strand). VCF-style: chr14-21522047-G-A. GRCh37 (hg19) VCF-style: chr14-21990181-G-A.
Other names: c.2688C>T, p.Pro896= (NM_001291446.2); c.2682C>T, p.Pro894= (NM_001291447.2); c.*657C>T (NM_005407.3).
Identifiers: ClinVar variation 3046285 (VCV003046285.2), dbSNP rs741707, ClinGen allele CA257582046.
Genomic context (GRCh38, chr14:21,522,047, plus strand): 5'-GAAGAAGGAATGTACAGTTTGCTACTTCTTGTCTATGATGGGCTTCTCAGGCACTGCCTT[G>A]GGTGCAGGAGGCTGAAATAGGAGGGGGGCTGTCTTCTCCTTGGCTTCCCTGGATCCCATT-3'

ClinVar aggregate classification (germline): Likely benign (0 of 4 stars; one submission).

Conditions:
SALL2-related disorder. Also called: SALL2-related condition.

Allele frequency attached by ClinVar (database versions not stated): TOPMed 0.00002.
gnomAD v4.1: 5 of 1,596,464 alleles (0.00031%); highest among the groups gnomAD compares: East Asian, 0.0022%; no homozygotes.

Submission:

PreventionGenetics, part of Exact Sciences
Classification: Likely benign for SALL2-related condition. Last evaluated: 2019-03-27. Review status: no assertion criteria provided. Collection method: clinical testing. Allele origin: germline.
Comment: This variant is classified as likely benign based on ACMG/AMP sequence variant interpretation guidelines (Richards et al. 2015 PMID: 25741868, with internal and published modifications).